The following is an entry in ClinVar:

ClinVar aggregate classification (germline): Pathogenic (1 of 4 stars; one submission).

Conditions:
Hereditary cancer-predisposing syndrome. Also called: Hereditary Cancer Syndrome; Tumor predisposition; Hereditary neoplastic syndrome; Neoplastic Syndromes, Hereditary. Identifiers: Orphanet 140162, MedGen C0027672, MeSH D009386, MONDO:0015356.
Cardiovascular phenotype. Identifiers: MedGen CN230736.

Submission:

Ambry Genetics
Classification: Pathogenic for Cardiovascular phenotype; Hereditary cancer-predisposing syndrome. Last evaluated: 2024-10-08. Review status: criteria provided, single submitter. Criteria: Ambry Variant Classification Scheme 2023. Collection method: clinical testing. Allele origin: germline.
Comment: The c.2666delC pathogenic mutation, located in coding exon 21 of the NF1 gene, results from a deletion of one nucleotide at nucleotide position 2666, causing a translational frameshift with a predicted alternate stop codon (p.T889Nfs*13). This variant has been observed in individuals with a personal and/or family history that is consistent with neurofibromatosis type I (Fahsold R et al. Am J Hum Genet, 2000 Mar;66:790-818; Ambry internal data). This variant is considered to be rare based on population cohorts in the Genome Aggregation Database (gnomAD). In addition to the clinical data presented in the literature, this alteration is expected to result in loss of function by premature protein truncation or nonsense-mediated mRNA decay. As such, this alteration is interpreted as a disease-causing mutation.

Literature cited by the submitters: PubMed 10712197.

NM_001042492.3(NF1):c.2666del (p.Thr889fs)

Gene: NF1 (neurofibromin 1; plus strand). Cytogenetic location: 17q11.2.
Variant type: Deletion.
Coding change: c.2666del on transcript NM_001042492.3 (MANE Select); coding-DNA position 2666, one base deleted (C; older notation c.2666delC).
Protein change: p.Thr889fs; shifts the reading frame from threonine 889.
Molecular consequence: frameshift variant.
Genome position (GRCh38, 1-based): chr17:31,229,281, C deleted. VCF-style (leftmost placement, unchanged base first): chr17-31229280-AC-A. GRCh37 (hg19) VCF-style: chr17-29556298-AC-A.
Other names: c.2666delC, p.Thr889Asnfs (NM_000267.4); c.2666delC (NM_000267.3); short protein forms T889fs.
Identifiers: ClinVar variation 3404595 (VCV003404595.1).